The following is an entry in ClinVar:

NM_001032283.3(TMPO):c.151C>T (p.Pro51Ser)

Genes: TMPO (thymopoietin; plus strand), TMPO-AS1 (TMPO antisense RNA 1; minus strand). Cytogenetic location: 12q23.1.
Variant type: single nucleotide variant.
Coding change: c.151C>T on transcript NM_001032283.3 (MANE Select); coding-DNA position 151, C replaced by T.
Protein change: p.Pro51Ser; replaces proline 51 with serine.
Molecular consequence: missense variant. On other transcripts: non-coding transcript variant (1).
Genome position (GRCh38, 1-based): chr12:98,516,018, C>T. VCF-style: chr12-98516018-C-T. GRCh37 (hg19) VCF-style: chr12-98909796-C-T.
Other names: c.151C>T, p.Pro51Ser (NM_001032284.3, NM_001307975.2, NM_003276.2); short protein forms P51S.
Identifiers: ClinVar variation 3369864 (VCV003369864.1).
Genomic context (GRCh38, chr12:98,516,018, plus strand): 5'-GAGCAGCGCAAAGACGTGTACGTCCAGCTCTACCTGCAGCACCTCACGGCTCGCAACCGG[C>T]CGCCGCTCCCCGCCGGCACCAACAGCAAGGGGCCCCCGGACTTCTCCAGTGACGAAGAGC-3'
Protein context (NP_001027454.1, residues 41-61): YLQHLTARNR[Pro51Ser]PLPAGTNSKG

ClinVar aggregate classification (germline): Uncertain significance (1 of 4 stars; one submission).

Submission:

GeneDx
Classification: Uncertain significance. Last evaluated: 2024-04-25. Review status: criteria provided, single submitter. Criteria: GeneDx Variant Classification Process June 2021. Collection method: clinical testing. Allele origin: germline. Affected: yes.
Comment: Not observed at significant frequency in large population cohorts (gnomAD); In silico analysis supports that this missense variant has a deleterious effect on protein structure/function; Has not been previously published as pathogenic or benign to our knowledge